The following is an entry in ClinVar:

ClinVar aggregate classification (germline): Uncertain significance (1 of 4 stars; one submission).

Conditions:
Epidermolysis bullosa simplex with nail dystrophy (EBS5D). Identifiers: MedGen C4225309, MONDO:0014661, OMIM 616487.
Autosomal recessive limb-girdle muscular dystrophy type 2Q (LGMDR17). Also called: MUSCULAR DYSTROPHY, LIMB-GIRDLE, AUTOSOMAL RECESSIVE 17. Identifiers: Orphanet 254361, MedGen C3150989, MONDO:0013390, OMIM 613723.
Epidermolysis bullosa simplex 5C, with pyloric atresia (EBS5C). Also called: PLEC1-Related Epidermolysis Bullosa with Pyloric Atresia; PLEC-Related Epidermolysis Bullosa with Pyloric Atresia; Epidermolysis bullosa simplex with pyloric atresia. Identifiers: Orphanet 158684, MedGen C2677349, MONDO:0012807, OMIM 612138.
Epidermolysis bullosa simplex 5B, with muscular dystrophy (EBS5B). Also called: Epidermolysis bullosa simplex with muscular dystrophy; EPIDERMOLYSIS BULLOSA SIMPLEX AND LIMB-GIRDLE MUSCULAR DYSTROPHY. Identifiers: Orphanet 257, MedGen C2931072, MONDO:0009181, OMIM 226670.
Epidermolysis bullosa simplex, Ogna type (EBS5A). Also called: EPIDERMOLYSIS BULLOSA SIMPLEX 5A, OGNA TYPE; Pidermolysis bullosa simplex 5A, Ogna type. Identifiers: Orphanet 79401, MedGen C0432317, MONDO:0007555, OMIM 131950.

Allele frequency attached by ClinVar (database versions not stated): gnomAD exomes below 0.00001; TOPMed below 0.00001.
gnomAD v4.1: 2 of 1,605,598 alleles (0.00012%); highest among the groups gnomAD compares: Non-Finnish European, 0.00017%; no homozygotes.

Submission:

Labcorp Genetics (formerly Invitae), Labcorp
Classification: Uncertain significance for Autosomal recessive limb-girdle muscular dystrophy type 2Q; Epidermolysis bullosa simplex, Ogna type; Epidermolysis bullosa simplex with nail dystrophy; Epidermolysis bullosa simplex 5C, with pyloric atresia; Epidermolysis bullosa simplex 5B, with muscular dystrophy. Last evaluated: 2026-01-08. Review status: criteria provided, single submitter. Criteria: Invitae Variant Classification Sherloc (09022015). Collection method: clinical testing. Allele origin: germline.
Comment: This sequence change replaces isoleucine, which is neutral and non-polar, with valine, which is neutral and non-polar, at codon 3398 of the PLEC protein (p.Ile3398Val). This variant is present in population databases (no rsID available, gnomAD 0.01%). This variant has not been reported in the literature in individuals affected with PLEC-related conditions. ClinVar contains an entry for this variant (Variation ID: 2953246). Invitae Evidence Modeling of protein sequence and biophysical properties (such as structural, functional, and spatial information, amino acid conservation, physicochemical variation, residue mobility, and thermodynamic stability) indicates that this missense variant is not expected to disrupt PLEC protein function with a negative predictive value of 80%. In summary, the available evidence is currently insufficient to determine the role of this variant in disease. Therefore, it has been classified as a Variant of Uncertain Significance.

NM_201384.3(PLEC):c.10111A>G (p.Ile3371Val)

Gene: PLEC (plectin; minus strand). Cytogenetic location: 8q24.3.
Variant type: single nucleotide variant.
Coding change: c.10111A>G on transcript NM_201384.3 (MANE Select); coding-DNA position 10111, A replaced by G.
Protein change: p.Ile3371Val; replaces isoleucine 3371 with valine.
Molecular consequence: missense variant.
Genome position (GRCh38, 1-based): chr8:143,919,710, T>C on the plus strand (A>G on the coding strand, the complement: PLEC is on the minus strand). VCF-style: chr8-143919710-T-C. GRCh37 (hg19) VCF-style: chr8-144993878-T-C.
Other names: c.10015A>G, p.Ile3339Val (NM_201381.3); c.10111A>G, p.Ile3371Val (NM_201382.4); c.10123A>G, p.Ile3375Val (NM_201383.3); c.10192A>G, p.Ile3398Val (NM_000445.5); c.6811A>G, p.Ile2271Val (NM_001410941.1); c.10069A>G, p.Ile3357Val (NM_201378.4); c.10045A>G, p.Ile3349Val (NM_201379.3); c.10522A>G, p.Ile3508Val (NM_201380.4); short protein forms I2271V, I3371V, I3398V, I3339V, I3375V, I3508V, I3349V, I3357V.
Identifiers: ClinVar variation 2953246 (VCV002953246.3), dbSNP rs1554679183, ClinGen allele CA372503664.